The following is an entry in ClinVar:

NM_005120.3(MED12):c.1438C>G (p.Leu480Val)

Genes: MED12 (mediator complex subunit 12; plus strand), LOC126863275 (BRD4-independent group 4 enhancer GRCh37_chrX:70342400-70343599; plus strand). Cytogenetic location: Xq13.1.
Variant type: single nucleotide variant.
Coding change: c.1438C>G on transcript NM_005120.3 (MANE Select); coding-DNA position 1438, C replaced by G.
Protein change: p.Leu480Val; replaces leucine 480 with valine.
Molecular consequence: missense variant.
Genome position (GRCh38, 1-based): chrX:71,122,827, C>G. VCF-style: chrX-71122827-C-G. GRCh37 (hg19) VCF-style: chrX-70342677-C-G.
Other names: short protein forms L480V.
Identifiers: ClinVar variation 3015653 (VCV003015653.3), dbSNP rs369762911, ClinGen allele CA10444180.

ClinVar aggregate classification (germline): Uncertain significance (1 of 4 stars; one submission).

Conditions:
FG syndrome (FGS). Identifiers: MedGen C0220769, MONDO:0002010.

Allele frequency attached by ClinVar (database versions not stated): ExAC 0.00001; ESP Exome Variant Server 0.00010.

Submission:

Labcorp Genetics (formerly Invitae), Labcorp
Classification: Uncertain significance for FG syndrome. Last evaluated: 2023-08-03. Review status: criteria provided, single submitter. Criteria: Invitae Variant Classification Sherloc (09022015). Collection method: clinical testing. Allele origin: germline.
Comment: In summary, the available evidence is currently insufficient to determine the role of this variant in disease. Therefore, it has been classified as a Variant of Uncertain Significance. Advanced modeling of protein sequence and biophysical properties (such as structural, functional, and spatial information, amino acid conservation, physicochemical variation, residue mobility, and thermodynamic stability) has been performed at Invitae for this missense variant, however the output from this modeling did not meet the statistical confidence thresholds required to predict the impact of this variant on MED12 protein function. This variant has not been reported in the literature in individuals affected with MED12-related conditions. This variant is present in population databases (rs369762911, gnomAD 0.001%). This sequence change replaces leucine, which is neutral and non-polar, with valine, which is neutral and non-polar, at codon 480 of the MED12 protein (p.Leu480Val).